The following is an entry in ClinVar:

NM_000059.4(BRCA2):c.2627A>T (p.Asn876Ile)

Gene: BRCA2 (BRCA2 DNA repair associated; plus strand). Cytogenetic location: 13q13.1.
Variant type: single nucleotide variant.
Coding change: c.2627A>T on transcript NM_000059.4 (MANE Select); coding-DNA position 2627, A replaced by T.
Protein change: p.Asn876Ile; replaces asparagine 876 with isoleucine.
Molecular consequence: missense variant.
Genome position (GRCh38, 1-based): chr13:32,336,982, A>T. VCF-style: chr13-32336982-A-T. GRCh37 (hg19) VCF-style: chr13-32911119-A-T.
Other names: c.2627A>T, p.Asn876Ile (NM_001406719.1, NM_001406720.1); short protein forms N876I.
Identifiers: ClinVar variation 2131949 (VCV002131949.7), dbSNP rs997313713, ClinGen allele CA387773218.
Genomic context (GRCh38, chr13:32,336,982, plus strand): 5'-ATCTAAGAGTAATCCAAAAAAATCAAGAAGAAACTACTTCAATTTCAAAAATAACTGTCA[A>T]TCCAGACTCTGAAGAACTTTTCTCAGACAATGAGAATAATTTTGTCTTCCAAGTAGCTAA-3'
Protein context (NP_000050.3, residues 866-886): ETTSISKITV[Asn876Ile]PDSEELFSDN

ClinVar aggregate classification (germline): Conflicting classifications of pathogenicity. Review status: criteria provided, conflicting classifications (1 of 4 stars). 3 submissions from 3 submitters: Uncertain significance (2); Likely benign (1). Last evaluated 2025-09-08.

Conditions:
Hereditary cancer-predisposing syndrome. Also called: Hereditary neoplastic syndrome; Hereditary Cancer Syndrome; Tumor predisposition; Neoplastic Syndromes, Hereditary. Identifiers: Orphanet 140162, MedGen C0027672, MeSH D009386, MONDO:0015356.
Hereditary breast ovarian cancer syndrome. Also called: Hereditary breast and ovarian cancer; Hereditary breast and/or ovarian cancer syndrome; Hereditary breast and ovarian cancer syndrome (HBOC); Breast and ovarian cancer; Hereditary breast and ovarian cancer syndrome; BRCA1- and BRCA2-Associated Hereditary Breast and Ovarian Cancer. Identifiers: Orphanet 145, MedGen C0677776, MeSH D061325, MONDO:0003582. Disease mechanism: loss of function.

Submissions (3):

Quest Diagnostics Nichols Institute San Juan Capistrano
Classification: Uncertain significance. Last evaluated: 2025-09-08. Review status: criteria provided, single submitter. Criteria: Quest Diagnostics criteria. Collection method: clinical testing. Allele origin: unknown.
Comment: The BRCA2 c.2627A>T (p.Asn876Ile) variant has been reported in the published literature in to be located in a region of the BRCA2 gene that is tolerant to missense sequence changes (PMID: 31911673 (2020)). This variant has not been reported in large, multi-ethnic general populations (Genome Aggregation Database). Analysis of this variant using bioinformatics tools for the prediction of the effect of amino acid changes on protein structure and function yielded predictions that this variant is benign. Based on the available information, we are unable to determine the clinical significance of this variant.

University of Washington Department of Laboratory Medicine, University of Washington
Classification: Likely benign for Hereditary cancer-predisposing syndrome. Last evaluated: 2023-03-23. Review status: criteria provided, single submitter. Criteria: Dines et al. (Genet Med. 2020). Collection method: curation. Allele origin: germline.
Comment: Missense variant in a coldspot region where missense variants are very unlikely to be pathogenic (PMID:31911673).

BRCA2 exon 11 coldspot. Reclassification based on statistical prior probability.

Labcorp Genetics (formerly Invitae), Labcorp
Classification: Uncertain significance for Hereditary breast ovarian cancer syndrome. Last evaluated: 2022-05-02. Review status: criteria provided, single submitter. Criteria: Invitae Variant Classification Sherloc (09022015). Collection method: clinical testing. Allele origin: germline.
Comment: In summary, the available evidence is currently insufficient to determine the role of this variant in disease. Therefore, it has been classified as a Variant of Uncertain Significance. Advanced modeling of protein sequence and biophysical properties (such as structural, functional, and spatial information, amino acid conservation, physicochemical variation, residue mobility, and thermodynamic stability) performed at Invitae indicates that this missense variant is not expected to disrupt BRCA2 protein function. This variant has not been reported in the literature in individuals affected with BRCA2-related conditions. This variant is not present in population databases (gnomAD no frequency). This sequence change replaces asparagine, which is neutral and polar, with isoleucine, which is neutral and non-polar, at codon 876 of the BRCA2 protein (p.Asn876Ile).

Literature cited by the submitters: PubMed 31911673 (cited by Quest Diagnostics Nichols Institute San Juan Capistrano).